The following is an entry in ClinVar:

ClinVar aggregate classification (germline): Uncertain significance (1 of 4 stars; one submission).

Conditions:
PIK3C2B-related disorder. Also called: PIK3C2B-related condition.

Submission:

PreventionGenetics, part of Exact Sciences
Classification: Uncertain significance for PIK3C2B-related condition. Last evaluated: 2026-06-03. Review status: criteria provided, single submitter. Criteria: ACMG Guidelines, 2015. Collection method: clinical testing. Allele origin: germline.
Comment: The PIK3C2B c.2062C>T variant is predicted to result in premature protein termination (p.Gln688*). To our knowledge, this variant has not been reported in the literature or in a large population database (gnomAD), indicating this variant is rare. At this time, the clinical significance of this variant is uncertain due to the absence of conclusive functional and genetic evidence.

NM_001377334.1(PIK3C2B):c.2062C>T (p.Gln688Ter)

Gene: PIK3C2B (phosphatidylinositol-4-phosphate 3-kinase catalytic subunit type 2 beta; minus strand). Cytogenetic location: 1q32.1.
Variant type: single nucleotide variant.
Coding change: c.2062C>T on transcript NM_001377334.1 (MANE Select); coding-DNA position 2062, C replaced by T.
Protein change: p.Gln688Ter; replaces glutamine 688 with a stop codon.
Molecular consequence: nonsense.
Genome position (GRCh38, 1-based): chr1:204,454,673, G>A on the plus strand (C>T on the coding strand, the complement: PIK3C2B is on the minus strand). VCF-style: chr1-204454673-G-A. GRCh37 (hg19) VCF-style: chr1-204423801-G-A.
Other names: c.2062C>T, p.Gln688Ter (NM_001377335.1, NM_002646.4); short protein forms Q688*.
Identifiers: ClinVar variation 4994585 (VCV004994585.1).
Genomic context (GRCh38, chr1:204,454,673, plus strand): 5'-AGAGGCTGAGCAGGTCTACAGTGGCCTGGGCACTGAAGCCTGGGGGAAGGGCTTACTGCT[G>A]GTCCCAGACGATGAGGTGGAAGAGGTACTTGGAGAAGTGAGCTCTTCGGGTCTGCAGGGG-3'